The following is an entry in ClinVar:

NM_001379291.1(BRD4):c.2159-1767dup

Gene: BRD4 (bromodomain containing 4; minus strand). Cytogenetic location: 19p13.12.
Variant type: Duplication.
Coding change: c.2159-1767dup on transcript NM_001379291.1 (MANE Select); 1767 bases into the intron before coding-DNA position 2159, one base duplicated (T; older notation c.2159-1767dupT).
Molecular consequence: intron variant.
Genome position (GRCh38, 1-based): chr19:15,246,529, A duplicated on the plus strand (T on the coding strand, the reverse complement: BRD4 is on the minus strand). VCF-style (leftmost placement, unchanged base first): chr19-15246528-T-TA. GRCh37 (hg19) VCF-style: chr19-15357339-T-TA.
Other names: c.2159-1767dup (NM_058243.3).
Identifiers: ClinVar variation 2649458 (VCV002649458.24), dbSNP rs533825242, ClinGen allele CA305793259.

ClinVar aggregate classification (germline): Likely benign (1 of 4 stars; one submission).

Allele frequency attached by ClinVar (database versions not stated): TOPMed 0.00002; gnomAD 0.00014; 1000 Genomes Project 0.00060.

Submission:

CeGaT Center for Human Genetics Tuebingen
Classification: Likely benign. Last evaluated: 2023-07-01. Review status: criteria provided, single submitter. Criteria: CeGaT Center For Human Genetics Tuebingen Variant Classification Criteria Version 2. Collection method: clinical testing. Allele origin: germline. Affected: yes. Observed: 2 variant alleles.
Comment: BRD4: BS1